The following is an entry in ClinVar:

NM_004369.4(COL6A3):c.4323C>T (p.Ile1441=)

Gene: COL6A3 (collagen type VI alpha 3 chain; minus strand). Cytogenetic location: 2q37.3.
Variant type: single nucleotide variant.
Coding change: c.4323C>T on transcript NM_004369.4 (MANE Select); coding-DNA position 4323, C replaced by T.
Protein change: p.Ile1441=; no amino-acid change (isoleucine 1441 retained).
Molecular consequence: synonymous variant.
Genome position (GRCh38, 1-based): chr2:237,369,140, G>A on the plus strand (C>T on the coding strand, the complement: COL6A3 is on the minus strand). VCF-style: chr2-237369140-G-A. GRCh37 (hg19) VCF-style: chr2-238277783-G-A.
Other names: c.2502C>T, p.Ile834= (NM_057166.5); c.3705C>T, p.Ile1235= (NM_057167.4).
Identifiers: ClinVar variation 517863 (VCV000517863.10), dbSNP rs747160916, ClinGen allele CA2188917.

ClinVar aggregate classification (germline): Likely benign. Review status: criteria provided, multiple submitters, no conflicts (2 of 4 stars). 2 submissions from 2 submitters: Likely benign (2). Last evaluated 2023-06-28.

Conditions:
Bethlem myopathy 1A. Also called: MYOPATHY, BENIGN CONGENITAL, WITH CONTRACTURES; Bethlem myopathy 1; Bethlem Muscular Dystrophy. Identifiers: Orphanet 610, MedGen CN029274, MONDO:0024530, OMIM 158810.

Allele frequency attached by ClinVar (database versions not stated): gnomAD 0.00001 and 0.00002; TOPMed 0.00002; gnomAD exomes 0.00003; ExAC 0.00005; 1000 Genomes Project 30x 0.00016.
gnomAD v4.1: 42 of 1,613,516 alleles (0.0026%); highest among the groups gnomAD compares: East Asian, 0.045%; no homozygotes.

Submissions (2):

Labcorp Genetics (formerly Invitae), Labcorp
Classification: Likely benign for Bethlem myopathy 1A. Last evaluated: 2023-06-28. Review status: criteria provided, single submitter. Criteria: Invitae Variant Classification Sherloc (09022015). Collection method: clinical testing. Allele origin: germline.

GeneDx
Classification: Likely benign. Last evaluated: 2017-05-22. Review status: criteria provided, single submitter. Criteria: GeneDx Variant Classification (06012015). Collection method: clinical testing. Allele origin: germline. Affected: yes.
Comment: This variant is considered likely benign or benign based on one or more of the following criteria: it is a conservative change, it occurs at a poorly conserved position in the protein, it is predicted to be benign by multiple in silico algorithms, and/or has population frequency not consistent with disease.